The following is an entry in ClinVar:

ClinVar aggregate classification (germline): Uncertain significance (1 of 4 stars; one submission).

Conditions:
Hyperekplexia 3 (HKPX3). Also called: HYPEREKPLEXIA 3, AUTOSOMAL RECESSIVE; HYPEREKPLEXIA 3, AUTOSOMAL DOMINANT. Identifiers: Orphanet 3197, MedGen C3553288, MONDO:0013827, OMIM 614618.

Allele frequency attached by ClinVar (database versions not stated): gnomAD exomes below 0.00001; ExAC 0.00001; gnomAD 0.00002; TOPMed 0.00003.
gnomAD v4.1: 4 of 1,614,058 alleles (0.00025%); highest among the groups gnomAD compares: African/African-American, 0.004%; no homozygotes.

Submission:

Labcorp Genetics (formerly Invitae), Labcorp
Classification: Uncertain significance for Hyperekplexia 3. Last evaluated: 2022-08-10. Review status: criteria provided, single submitter. Criteria: Invitae Variant Classification Sherloc (09022015). Collection method: clinical testing. Allele origin: germline.
Comment: In summary, the available evidence is currently insufficient to determine the role of this variant in disease. Therefore, it has been classified as a Variant of Uncertain Significance. Algorithms developed to predict the effect of sequence changes on RNA splicing suggest that this variant may create or strengthen a splice site. Advanced modeling of protein sequence and biophysical properties (such as structural, functional, and spatial information, amino acid conservation, physicochemical variation, residue mobility, and thermodynamic stability) performed at Invitae indicates that this missense variant is not expected to disrupt SLC6A5 protein function. ClinVar contains an entry for this variant (Variation ID: 1505632). This variant has not been reported in the literature in individuals affected with SLC6A5-related conditions. This variant is present in population databases (rs752579694, gnomAD 0.008%). This sequence change replaces aspartic acid, which is acidic and polar, with glycine, which is neutral and non-polar, at codon 790 of the SLC6A5 protein (p.Asp790Gly).

NM_004211.5(SLC6A5):c.2369A>G (p.Asp790Gly)

Gene: SLC6A5 (solute carrier family 6 member 5; plus strand). Cytogenetic location: 11p15.1.
Variant type: single nucleotide variant.
Coding change: c.2369A>G on transcript NM_004211.5 (MANE Select); coding-DNA position 2369, A replaced by G.
Protein change: p.Asp790Gly; replaces aspartic acid 790 with glycine.
Molecular consequence: missense variant.
Genome position (GRCh38, 1-based): chr11:20,654,843, A>G. VCF-style: chr11-20654843-A-G. GRCh37 (hg19) VCF-style: chr11-20676389-A-G.
Other names: c.1667A>G, p.Asp556Gly (NM_001318369.2); short protein forms D556G, D790G.
Identifiers: ClinVar variation 1505632 (VCV001505632.7), dbSNP rs752579694, ClinGen allele CA5921779.